The following is an entry in ClinVar:

ClinVar aggregate classification (germline): Benign/Likely benign. Review status: criteria provided, multiple submitters, no conflicts (2 of 4 stars). 4 submissions from 4 submitters: Benign (1); Likely benign (3). Last evaluated 2025-12-28.

Conditions:
COL18A1-related disorder. Also called: COL18A1-related disorders; COL18A1-related condition.

Allele frequency attached by ClinVar (database versions not stated): gnomAD 0.00001 and 0.00010; TOPMed 0.00004; 1000 Genomes Project 30x 0.00016; gnomAD exomes 0.00017 and 0.00029; 1000 Genomes Project 0.00020; ExAC 0.00117.

Submissions (4):

Labcorp Genetics (formerly Invitae), Labcorp
Classification: Benign. Last evaluated: 2025-12-28. Review status: criteria provided, single submitter. Criteria: Invitae Variant Classification Sherloc (09022015). Collection method: clinical testing. Allele origin: germline.

CeGaT Center for Human Genetics Tuebingen
Classification: Likely benign. Last evaluated: 2025-07-01. Review status: criteria provided, single submitter. Criteria: CeGaT Center For Human Genetics Tuebingen Variant Classification Criteria Version 2. Collection method: clinical testing. Allele origin: germline. Affected: yes. Observed: 1 variant allele.
Comment: COL18A1: BP4, BP7

PreventionGenetics, part of Exact Sciences
Classification: Likely benign for COL18A1-related condition. Last evaluated: 2025-05-06. Review status: criteria provided, single submitter. Criteria: ACMG Guidelines, 2015. Collection method: clinical testing. Allele origin: germline.
Comment: This variant is classified as likely benign based on ACMG/AMP sequence variant interpretation guidelines (Richards et al. 2015 PMID: 25741868, with internal and published modifications).

Blueprint Genetics
Classification: Likely benign. Last evaluated: 2024-10-14. Review status: criteria provided, single submitter. Criteria: ACMG Guidelines, 2015. Collection method: clinical testing. Allele origin: germline.

NM_001379500.1(COL18A1):c.1185G>A (p.Pro395=)

Gene: COL18A1 (collagen type XVIII alpha 1 chain; plus strand). Cytogenetic location: 21q22.3.
Variant type: single nucleotide variant.
Coding change: c.1185G>A on transcript NM_001379500.1 (MANE Select); coding-DNA position 1185, G replaced by A.
Protein change: p.Pro395=; no amino-acid change (proline 395 retained).
Molecular consequence: synonymous variant.
Genome position (GRCh38, 1-based): chr21:45,477,929, G>A. VCF-style: chr21-45477929-G-A. GRCh37 (hg19) VCF-style: chr21-46897843-G-A.
Other names: c.1725G>A (NM_030582.3); c.1725G>A, p.Pro575= (NM_030582.4); c.2430G>A, p.Pro810= (NM_130444.3).
Identifiers: ClinVar variation 1166748 (VCV001166748.19), dbSNP rs558230047, ClinGen allele CA10066093.